The following is an entry in ClinVar:

NM_000038.6(APC):c.7736A>G (p.Glu2579Gly)

Gene: APC (APC regulator of Wnt signaling pathway; plus strand). Cytogenetic location: 5q22.2.
Variant type: single nucleotide variant.
Coding change: c.7736A>G on transcript NM_000038.6 (MANE Select); coding-DNA position 7736, A replaced by G.
Protein change: p.Glu2579Gly; replaces glutamic acid 2579 with glycine.
Molecular consequence: missense variant.
Genome position (GRCh38, 1-based): chr5:112,843,330, A>G. VCF-style: chr5-112843330-A-G. GRCh37 (hg19) VCF-style: chr5-112179027-A-G.
Other names: c.7736A>G, p.Glu2579Gly (NM_001127510.3, NM_001354895.2); c.7682A>G, p.Glu2561Gly (NM_001127511.3); c.7790A>G, p.Glu2597Gly (NM_001354896.2); c.7766A>G, p.Glu2589Gly (NM_001354897.2); c.7661A>G, p.Glu2554Gly (NM_001354898.2); c.7652A>G, p.Glu2551Gly (NM_001354899.2); c.7613A>G, p.Glu2538Gly (NM_001354900.2); c.7559A>G, p.Glu2520Gly (NM_001354901.2); and 6 more; short protein forms E2296G, E2419G, E2453G, E2478G, E2488G, E2520G, E2538G, E2551G.
Identifiers: ClinVar variation 1062362 (VCV001062362.11), dbSNP rs2149992913, ClinGen allele CA16038130.

ClinVar aggregate classification (germline): Uncertain significance. Review status: criteria provided, multiple submitters, no conflicts (2 of 4 stars). 2 submissions from 2 submitters: Uncertain significance (2). Last evaluated 2026-02-28.

Conditions:
Hereditary cancer-predisposing syndrome. Also called: Hereditary Cancer Syndrome; Neoplastic Syndromes, Hereditary; Tumor predisposition; Hereditary neoplastic syndrome. Identifiers: Orphanet 140162, MedGen C0027672, MeSH D009386, MONDO:0015356.
Familial adenomatous polyposis 1 (FAP1). Also called: FAMILIAL ADENOMATOUS POLYPOSIS 1, ATTENUATED; POLYPOSIS, ADENOMATOUS INTESTINAL. Identifiers: MedGen C2713442, MONDO:0021056, OMIM 175100. Disease mechanism: loss of function.

Submissions (2):

Ambry Genetics
Classification: Uncertain significance for Hereditary cancer-predisposing syndrome. Last evaluated: 2026-02-28. Review status: criteria provided, single submitter. Criteria: Ambry Variant Classification Scheme 2023. Collection method: clinical testing. Allele origin: germline.
Comment: The p.E2579G variant (also known as c.7736A>G), located in coding exon 15 of the APC gene, results from an A to G substitution at nucleotide position 7736. The glutamic acid at codon 2579 is replaced by glycine, an amino acid with similar properties. This amino acid position is conserved. In addition, in silico predictors for this gene do not accurately predict pathogenicity. Based on the available evidence, the clinical significance of this variant remains unclear.

Labcorp Genetics (formerly Invitae), Labcorp
Classification: Uncertain significance for Familial adenomatous polyposis 1. Last evaluated: 2020-05-13. Review status: criteria provided, single submitter. Criteria: Invitae Variant Classification Sherloc (09022015). Collection method: clinical testing. Allele origin: germline.
Comment: This variant is not present in population databases (ExAC no frequency). This sequence change replaces glutamic acid with glycine at codon 2579 of the APC protein (p.Glu2579Gly). The glutamic acid residue is highly conserved and there is a moderate physicochemical difference between glutamic acid and glycine. This variant has not been reported in the literature in individuals with APC-related conditions. In summary, the available evidence is currently insufficient to determine the role of this variant in disease. Therefore, it has been classified as a Variant of Uncertain Significance. Algorithms developed to predict the effect of missense changes on protein structure and function (SIFT, PolyPhen-2, Align-GVGD) all suggest that this variant is likely to be disruptive, but these predictions have not been confirmed by published functional studies and their clinical significance is uncertain.